The following is an entry in ClinVar:

ClinVar aggregate classification (germline): Uncertain significance (1 of 4 stars; one submission).

Conditions:
Epidermolysis bullosa simplex 5B, with muscular dystrophy (EBS5B). Also called: Epidermolysis bullosa simplex with muscular dystrophy; EPIDERMOLYSIS BULLOSA SIMPLEX AND LIMB-GIRDLE MUSCULAR DYSTROPHY. Identifiers: Orphanet 257, MedGen C2931072, MONDO:0009181, OMIM 226670.
Epidermolysis bullosa simplex 5C, with pyloric atresia (EBS5C). Also called: PLEC-Related Epidermolysis Bullosa with Pyloric Atresia; Epidermolysis bullosa simplex with pyloric atresia; PLEC1-Related Epidermolysis Bullosa with Pyloric Atresia. Identifiers: Orphanet 158684, MedGen C2677349, MONDO:0012807, OMIM 612138.
Epidermolysis bullosa simplex with nail dystrophy (EBS5D). Identifiers: MedGen C4225309, MONDO:0014661, OMIM 616487.
Epidermolysis bullosa simplex, Ogna type (EBS5A). Also called: Pidermolysis bullosa simplex 5A, Ogna type; EPIDERMOLYSIS BULLOSA SIMPLEX 5A, OGNA TYPE. Identifiers: Orphanet 79401, MedGen C0432317, MONDO:0007555, OMIM 131950.
Autosomal recessive limb-girdle muscular dystrophy type 2Q (LGMDR17). Also called: MUSCULAR DYSTROPHY, LIMB-GIRDLE, AUTOSOMAL RECESSIVE 17. Identifiers: Orphanet 254361, MedGen C3150989, MONDO:0013390, OMIM 613723.

gnomAD v4.1: 2 of 1,584,744 alleles (0.00013%); highest among the groups gnomAD compares: Non-Finnish European, 0.00017%; no homozygotes.

Submission:

Labcorp Genetics (formerly Invitae), Labcorp
Classification: Uncertain significance for Autosomal recessive limb-girdle muscular dystrophy type 2Q; Epidermolysis bullosa simplex, Ogna type; Epidermolysis bullosa simplex with nail dystrophy; Epidermolysis bullosa simplex 5C, with pyloric atresia; Epidermolysis bullosa simplex 5B, with muscular dystrophy. Last evaluated: 2022-06-28. Review status: criteria provided, single submitter. Criteria: Invitae Variant Classification Sherloc (09022015). Collection method: clinical testing. Allele origin: germline.
Comment: In summary, the available evidence is currently insufficient to determine the role of this variant in disease. Therefore, it has been classified as a Variant of Uncertain Significance. Algorithms developed to predict the effect of missense changes on protein structure and function are either unavailable or do not agree on the potential impact of this missense change (SIFT: "Tolerated"; PolyPhen-2: "Not Available"; Align-GVGD: "Class C0"). This variant has not been reported in the literature in individuals affected with PLEC-related conditions. This variant is not present in population databases (gnomAD no frequency). This sequence change replaces threonine, which is neutral and polar, with asparagine, which is neutral and polar, at codon 897 of the PLEC protein (p.Thr897Asn).

NM_201384.3(PLEC):c.2609C>A (p.Thr870Asn)

Gene: PLEC (plectin; minus strand). Cytogenetic location: 8q24.3.
Variant type: single nucleotide variant.
Coding change: c.2609C>A on transcript NM_201384.3 (MANE Select); coding-DNA position 2609, C replaced by A.
Protein change: p.Thr870Asn; replaces threonine 870 with asparagine.
Molecular consequence: missense variant.
Genome position (GRCh38, 1-based): chr8:143,930,147, G>T on the plus strand (C>A on the coding strand, the complement: PLEC is on the minus strand). VCF-style: chr8-143930147-G-T. GRCh37 (hg19) VCF-style: chr8-145004315-G-T.
Other names: c.2690C>A, p.Thr897Asn (NM_000445.5, NM_001410941.1); c.2567C>A, p.Thr856Asn (NM_201378.4); c.2543C>A, p.Thr848Asn (NM_201379.3); c.3020C>A, p.Thr1007Asn (NM_201380.4); c.2513C>A, p.Thr838Asn (NM_201381.3); c.2609C>A, p.Thr870Asn (NM_201382.4); c.2621C>A, p.Thr874Asn (NM_201383.3); short protein forms T848N, T1007N, T838N, T856N, T897N, T870N, T874N.
Identifiers: ClinVar variation 2004002 (VCV002004002.4), dbSNP rs2538564323, ClinGen allele CA372573636.
Genomic context (GRCh38, chr8:143,930,147, plus strand): 5'-CGTCACCAGCGCCCCACCCGCCTTCCAGCCCCCACCTGCTGAGCCCCCGCCACCCACCTG[G>T]TGACGGCCTCCTGGGCCTCCTGGTTGGGCGGGGGCACCAGGAAGCACACGGAGGGCACGG-3'
Protein context (NP_958786.1, residues 860-880): PPNQEAQEAV[Thr870Asn]RLEAQHQALV